The following is an entry in ClinVar:

ClinVar aggregate classification (germline): Likely benign. Review status: criteria provided, multiple submitters, no conflicts (2 of 4 stars). 3 submissions from 3 submitters: Likely benign (3). Last evaluated 2024-08-29.

Conditions:
Hereditary spastic paraplegia 28. Also called: Spastic paraplegia 28, autosomal recessive. Identifiers: Orphanet 101008, MedGen C1836295, MONDO:0012256, OMIM 609340.

Allele frequency attached by ClinVar (database versions not stated): gnomAD exomes 0.00001 and 0.00006; ExAC 0.00001; TOPMed 0.00001; ESP Exome Variant Server 0.00008.
gnomAD v4.1: 88 of 1,605,206 alleles (0.0055%); highest among the groups gnomAD compares: Middle Eastern, 0.033%; no homozygotes.

Submissions (3):

Labcorp Genetics (formerly Invitae), Labcorp
Classification: Likely benign for Hereditary spastic paraplegia 28. Last evaluated: 2024-08-29. Review status: criteria provided, single submitter. Criteria: Invitae Variant Classification Sherloc (09022015). Collection method: clinical testing. Allele origin: germline.

GeneDx
Classification: Likely benign. Last evaluated: 2016-03-21. Review status: criteria provided, single submitter. Criteria: GeneDx Variant Classification (06012015). Collection method: clinical testing. Allele origin: germline. Affected: yes.
Comment: This variant is considered likely benign or benign based on one or more of the following criteria: it is a conservative change, it occurs at a poorly conserved position in the protein, it is predicted to be benign by multiple in silico algorithms, and/or has population frequency not consistent with disease.

Breakthrough Genomics
Classification: Likely benign. Review status: criteria provided, single submitter. Criteria: ACMG Guidelines, 2015. Collection method: not provided. Allele origin: germline. Inheritance: Autosomal recessive inheritance. Affected: yes.

NM_001160148.2(DDHD1):c.831C>T (p.Tyr277=)

Genes: DDHD1 (DDHD domain containing 1; minus strand), LOC130055658 (ATAC-STARR-seq lymphoblastoid active region 8401; plus strand). Cytogenetic location: 14q22.1.
Variant type: single nucleotide variant.
Coding change: c.831C>T on transcript NM_001160148.2 (MANE Select); coding-DNA position 831, C replaced by T.
Protein change: p.Tyr277=; no amino-acid change (tyrosine 277 retained).
Molecular consequence: synonymous variant.
Genome position (GRCh38, 1-based): chr14:53,152,268, G>A on the plus strand (C>T on the coding strand, the complement: DDHD1 is on the minus strand). VCF-style: chr14-53152268-G-A. GRCh37 (hg19) VCF-style: chr14-53618986-G-A.
Other names: c.831C>T, p.Tyr277= (NM_001160147.2, NM_030637.3).
Identifiers: ClinVar variation 384202 (VCV000384202.8), dbSNP rs368725055, ClinGen allele CA7191405.